The following is an entry in ClinVar:

ClinVar aggregate classification (germline): Uncertain significance (1 of 4 stars; one submission).

Conditions:
Sulfite oxidase deficiency due to molybdenum cofactor deficiency type C. Also called: Molybdenum cofactor deficiency, complementation group C; Molybdenum cofactor deficiency C. Identifiers: Orphanet 308400, Orphanet 833, MedGen C1854990, MONDO:0014212, OMIM 615501.

Allele frequency attached by ClinVar (database versions not stated): gnomAD exomes below 0.00001.
gnomAD v4.1: 2 of 1,600,694 alleles (0.00012%); highest among the groups gnomAD compares: Non-Finnish European, 0.00017%; no homozygotes.

Submission:

Labcorp Genetics (formerly Invitae), Labcorp
Classification: Uncertain significance for Sulfite oxidase deficiency due to molybdenum cofactor deficiency type C. Last evaluated: 2022-08-04. Review status: criteria provided, single submitter. Criteria: Invitae Variant Classification Sherloc (09022015). Collection method: clinical testing. Allele origin: germline.
Comment: This variant is not present in population databases (gnomAD no frequency). This sequence change replaces serine, which is neutral and polar, with glycine, which is neutral and non-polar, at codon 35 of the GPHN protein (p.Ser35Gly). In summary, the available evidence is currently insufficient to determine the role of this variant in disease. Therefore, it has been classified as a Variant of Uncertain Significance. Algorithms developed to predict the effect of missense changes on protein structure and function are either unavailable or do not agree on the potential impact of this missense change (SIFT: "Deleterious"; PolyPhen-2: "Probably Damaging"; Align-GVGD: "Class C0"). This variant has not been reported in the literature in individuals affected with GPHN-related conditions.

NM_020806.5(GPHN):c.103A>G (p.Ser35Gly)

Gene: GPHN (gephyrin; plus strand). Cytogenetic location: 14q23.3.
Variant type: single nucleotide variant.
Coding change: c.103A>G on transcript NM_020806.5 (MANE Select); coding-DNA position 103, A replaced by G.
Protein change: p.Ser35Gly; replaces serine 35 with glycine.
Molecular consequence: missense variant.
Genome position (GRCh38, 1-based): chr14:66,681,145, A>G. VCF-style: chr14-66681145-A-G. GRCh37 (hg19) VCF-style: chr14-67147863-A-G.
Other names: c.103A>G, p.Ser35Gly (NM_001024218.2, NM_001377514.1, NM_001377515.1 and 4 more transcripts); short protein forms S35G.
Identifiers: ClinVar variation 1715013 (VCV001715013.5), dbSNP rs2066911919, ClinGen allele CA390255573.